The following is an entry in ClinVar:

ClinVar aggregate classification (germline): Uncertain significance (1 of 4 stars; one submission).

Conditions:
Primary ciliary dyskinesia. Also called: Ciliary dyskinesia. Identifiers: Orphanet 244, MedGen C0008780, MONDO:0016575, HP:0012265.

Allele frequency attached by ClinVar (database versions not stated): gnomAD 0.00001; gnomAD exomes 0.00001; TOPMed 0.00001; ExAC 0.00002.
gnomAD v4.1: 10 of 1,613,878 alleles (0.00062%); highest among the groups gnomAD compares: Admixed American, 0.0033%; no homozygotes.

Submission:

Ambry Genetics
Classification: Uncertain significance for Primary ciliary dyskinesia. Last evaluated: 2014-09-24. Review status: criteria provided, single submitter. Criteria: Ambry Variant Classification Scheme 2023. Collection method: clinical testing. Allele origin: germline.
Comment: The p.I1621V variant (also known as c.4861A>G), located in coding exon 30 of the DNAH5 gene, results from an A to G substitution at nucleotide position 4861. The isoleucine at codon 1621 is replaced by valine, an amino acid with highly similar properties. This variant was not reported in population based cohorts in the following databases: Database of Single Nucleotide Polymorphisms (dbSNP), NHLBI Exome Sequencing Project (ESP), and 1000 Genomes Project. In the ESP, this variant was not observed in 6503 samples (13006 alleles) with coverage at this position. This amino acid position is highly conserved in available vertebrate species. In addition, this alteration is predicted to be tolerated by in silico analysis. Since supporting evidence is limited at this time, the clinical significance of this variant remains unclear.

NM_001369.3(DNAH5):c.4861A>G (p.Ile1621Val)

Genes: DNAH5 (dynein axonemal heavy chain 5; minus strand), LOC126807318 (MED14-independent group 3 enhancer GRCh37_chr5:13858976-13860175; plus strand). Cytogenetic location: 5p15.2.
Variant type: single nucleotide variant.
Coding change: c.4861A>G on transcript NM_001369.3 (MANE Select); coding-DNA position 4861, A replaced by G.
Protein change: p.Ile1621Val; replaces isoleucine 1621 with valine.
Molecular consequence: missense variant.
Genome position (GRCh38, 1-based): chr5:13,859,541, T>C on the plus strand (A>G on the coding strand, the complement: DNAH5 is on the minus strand). VCF-style: chr5-13859541-T-C. GRCh37 (hg19) VCF-style: chr5-13859650-T-C.
Other names: short protein forms I1621V.
Identifiers: ClinVar variation 1743648 (VCV001743648.2), dbSNP rs754133112, ClinGen allele CA3203857.
Genomic context (GRCh38, chr5:13,859,541, plus strand): 5'-CCACAAAGACAGCTTCTAAATAAATCCACAGGTTTTGCACCGTCATCCAGCTCTCGATGA[T>C]GTCTGTTGAGTTGGAAAGGTACTGCACCCATTTTTGAATCTGGGCTTTGAATGGCATATT-3'
Protein context (NP_001360.1, residues 1611-1631): WVQYLSNSTD[Ile1621Val]IESWMTVQNL